The following is an entry in ClinVar:

ClinVar aggregate classification (germline): Likely benign (1 of 4 stars; one submission).

Allele frequency attached by ClinVar (database versions not stated): 1000 Genomes Project 0.00080; 1000 Genomes Project 30x 0.00187; TOPMed 0.00335; gnomAD 0.00442; gnomAD exomes 0.00973.
gnomAD v4.1: 686 of 150,220 alleles (0.46%); highest among the groups gnomAD compares: Middle Eastern, 0.91%; 9 homozygotes.

Submission:

CeGaT Center for Human Genetics Tuebingen
Classification: Likely benign. Last evaluated: 2023-01-01. Review status: criteria provided, single submitter. Criteria: CeGaT Center For Human Genetics Tuebingen Variant Classification Criteria Version 2. Collection method: clinical testing. Allele origin: germline. Affected: yes. Observed: 1 variant allele.
Comment: ENSG00000239467: BS2

NM_001290030.2(ERICH2):c.385G>T (p.Val129Leu)

Gene: ERICH2 (glutamate rich 2; plus strand). Cytogenetic location: 2q31.1.
Variant type: single nucleotide variant.
Coding change: c.385G>T on transcript NM_001290030.2 (MANE Select); coding-DNA position 385, G replaced by T.
Protein change: p.Val129Leu; replaces valine 129 with leucine.
Molecular consequence: missense variant. On other transcripts: 5 prime UTR variant (2), non-coding transcript variant (1), intron variant (2).
Genome position (GRCh38, 1-based): chr2:170,771,066, G>T. VCF-style: chr2-170771066-G-T. GRCh37 (hg19) VCF-style: chr2-171627576-G-T.
Other names: c.385G>T, p.Val129Leu (NM_001290031.1, NM_001388471.1); c.-302G>T (NM_001388469.1); c.-155G>T (NM_001388470.1); c.-65+337G>T (NM_001388468.1); c.-65+387G>T (NM_001388467.1); short protein forms V129L.
Identifiers: ClinVar variation 2651533 (VCV002651533.23), dbSNP rs562381606, ClinGen allele CA60604231.